The following is an entry in ClinVar:

ClinVar aggregate classification (germline): Uncertain significance (1 of 4 stars; one submission).

Conditions:
Hereditary cancer-predisposing syndrome. Also called: Hereditary neoplastic syndrome; Neoplastic Syndromes, Hereditary; Tumor predisposition; Hereditary Cancer Syndrome. Identifiers: Orphanet 140162, MedGen C0027672, MeSH D009386, MONDO:0015356.

Submission:

Labcorp Genetics (formerly Invitae), Labcorp
Classification: Uncertain significance for Hereditary cancer-predisposing syndrome. Last evaluated: 2018-05-05. Review status: criteria provided, single submitter. Criteria: Invitae Variant Classification Sherloc (09022015). Collection method: clinical testing. Allele origin: germline.
Comment: In summary, the available evidence is currently insufficient to determine the role of this variant in disease. Therefore, it has been classified as a Variant of Uncertain Significance. Algorithms developed to predict the effect of missense changes on protein structure and function (SIFT, PolyPhen-2, Align-GVGD) all suggest that this variant is likely to be tolerated, but these predictions have not been confirmed by published functional studies and their clinical significance is uncertain. This variant has not been reported in the literature in individuals with RAD50-related disease. This variant is not present in population databases (ExAC no frequency). This sequence change replaces glutamic acid with aspartic acid at codon 456 of the RAD50 protein (p.Glu456Asp). The glutamic acid residue is highly conserved and there is a small physicochemical difference between glutamic acid and aspartic acid.

NM_005732.4(RAD50):c.1368G>C (p.Glu456Asp)

Gene: RAD50 (RAD50 double strand break repair protein; plus strand). Cytogenetic location: 5q31.1.
Variant type: single nucleotide variant.
Coding change: c.1368G>C on transcript NM_005732.4 (MANE Select); coding-DNA position 1368, G replaced by C.
Protein change: p.Glu456Asp; replaces glutamic acid 456 with aspartic acid.
Molecular consequence: missense variant.
Genome position (GRCh38, 1-based): chr5:132,589,753, G>C. VCF-style: chr5-132589753-G-C. GRCh37 (hg19) VCF-style: chr5-131925445-G-C.
Other names: short protein forms E456D.
Identifiers: ClinVar variation 565968 (VCV000565968.9), dbSNP rs746833118, ClinGen allele CA360944370.